The following is an entry in ClinVar:

ClinVar aggregate classification (germline): Benign/Likely benign. Review status: criteria provided, multiple submitters, no conflicts (2 of 4 stars). 3 submissions from 3 submitters: Benign (1); Likely benign (1). 1 of the submissions does not count toward it. Last evaluated 2025-12-10.

Conditions:
Carney complex, type 1 (CNC1). Also called: CARNEY MYXOMA-ENDOCRINE COMPLEX; CARNEY COMPLEX, TYPE I. Identifiers: Orphanet 1359, MedGen C2607929, MONDO:0008057, OMIM 160980.
PRKAR1A-related disorder. Also called: PRKAR1A-related condition.

Allele frequency attached by ClinVar (database versions not stated): gnomAD 0.00002 and 0.00003; TOPMed 0.00002; gnomAD exomes 0.00006; ExAC 0.00008; 1000 Genomes Project 30x 0.00016; 1000 Genomes Project 0.00020.
gnomAD v4.1: 39 of 1,603,422 alleles (0.0024%); highest among the groups gnomAD compares: East Asian, 0.036%; no homozygotes.

Submissions (3):

Labcorp Genetics (formerly Invitae), Labcorp
Classification: Likely benign for Carney complex, type 1. Last evaluated: 2025-12-10. Review status: criteria provided, single submitter. Criteria: Invitae Variant Classification Sherloc (09022015). Collection method: clinical testing. Allele origin: germline.

Women's Health and Genetics/Laboratory Corporation of America, LabCorp
Classification: Benign. Last evaluated: 2024-11-13. Review status: criteria provided, single submitter. Criteria: LabCorp Variant Classification Summary - May 2015. Collection method: clinical testing. Allele origin: germline.

PreventionGenetics, part of Exact Sciences
Classification: Likely benign for PRKAR1A-related condition. Last evaluated: 2020-01-27. Review status: no assertion criteria provided. Collection method: clinical testing. Allele origin: germline. Not counted in ClinVar's aggregate classification.
Comment: This variant is classified as likely benign based on ACMG/AMP sequence variant interpretation guidelines (Richards et al. 2015 PMID: 25741868, with internal and published modifications).

NM_002734.5(PRKAR1A):c.769+10A>T

Gene: PRKAR1A (protein kinase cAMP-dependent type I regulatory subunit alpha; plus strand). Cytogenetic location: 17q24.2.
Variant type: single nucleotide variant.
Coding change: c.769+10A>T on transcript NM_002734.5 (MANE Select); 10 bases into the intron after coding-DNA position 769, A replaced by T.
Molecular consequence: intron variant.
Genome position (GRCh38, 1-based): chr17:68,527,910, A>T. VCF-style: chr17-68527910-A-T. GRCh37 (hg19) VCF-style: chr17-66524051-A-T.
Other names: c.769+10A>T (NM_001278433.2, NM_001369389.1, NM_212471.3 and 4 more transcripts).
Identifiers: ClinVar variation 704730 (VCV000704730.13), dbSNP rs375239425, ClinGen allele CA8729363.